The following is an entry in ClinVar:

NM_005359.6(SMAD4):c.62A>G (p.His21Arg)

Gene: SMAD4 (SMAD family member 4; plus strand). Cytogenetic location: 18q21.2.
Variant type: single nucleotide variant.
Coding change: c.62A>G on transcript NM_005359.6 (MANE Select); coding-DNA position 62, A replaced by G.
Protein change: p.His21Arg; replaces histidine 21 with arginine.
Molecular consequence: missense variant.
Genome position (GRCh38, 1-based): chr18:51,047,108, A>G. VCF-style: chr18-51047108-A-G. GRCh37 (hg19) VCF-style: chr18-48573478-A-G.
Other names: short protein forms H21R.
Identifiers: ClinVar variation 484803 (VCV000484803.10), dbSNP rs1280706054, ClinGen allele CA402457444.

ClinVar aggregate classification (germline): Uncertain significance. Review status: criteria provided, multiple submitters, no conflicts (2 of 4 stars). 2 submissions from 2 submitters: Uncertain significance (2). Last evaluated 2023-10-08.

Conditions:
Familial thoracic aortic aneurysm and aortic dissection (TAAD). Also called: Thoracic aortic aneurysms and dissections. Identifiers: Orphanet 91387, MedGen C4707243, MONDO:0019625.
Hereditary cancer-predisposing syndrome. Also called: Hereditary neoplastic syndrome; Neoplastic Syndromes, Hereditary; Tumor predisposition; Hereditary Cancer Syndrome. Identifiers: Orphanet 140162, MedGen C0027672, MeSH D009386, MONDO:0015356.
Juvenile polyposis syndrome (JPS). Identifiers: Orphanet 2929, MedGen C0345893, MONDO:0017380, OMIM 174900.

Allele frequency attached by ClinVar (database versions not stated): gnomAD exomes below 0.00001.
gnomAD v4.1: 2 of 1,613,936 alleles (0.00012%); highest among the groups gnomAD compares: Middle Eastern, 0.017%; no homozygotes.

Submissions (2):

Labcorp Genetics (formerly Invitae), Labcorp
Classification: Uncertain significance for Juvenile polyposis syndrome. Last evaluated: 2023-10-08. Review status: criteria provided, single submitter. Criteria: Invitae Variant Classification Sherloc (09022015). Collection method: clinical testing. Allele origin: germline.
Comment: This sequence change replaces histidine, which is basic and polar, with arginine, which is basic and polar, at codon 21 of the SMAD4 protein (p.His21Arg). This variant is present in population databases (no rsID available, gnomAD 0.003%). This variant has not been reported in the literature in individuals affected with SMAD4-related conditions. ClinVar contains an entry for this variant (Variation ID: 484803). Advanced modeling of protein sequence and biophysical properties (such as structural, functional, and spatial information, amino acid conservation, physicochemical variation, residue mobility, and thermodynamic stability) has been performed at Invitae for this missense variant, however the output from this modeling did not meet the statistical confidence thresholds required to predict the impact of this variant on SMAD4 protein function. In summary, the available evidence is currently insufficient to determine the role of this variant in disease. Therefore, it has been classified as a Variant of Uncertain Significance.

Ambry Genetics
Classification: Uncertain significance for Hereditary cancer-predisposing syndrome; Familial thoracic aortic aneurysm and aortic dissection. Last evaluated: 2016-07-26. Review status: criteria provided, single submitter. Criteria: Ambry Variant Classification Scheme 2023. Collection method: clinical testing. Allele origin: germline.
Comment: The p.H21R variant (also known as c.62A>G), located in coding exon 1 of the SMAD4 gene, results from an A to G substitution at nucleotide position 62. The histidine at codon 21 is replaced by arginine, an amino acid with highly similar properties. This variant was not reported in population based cohorts in the following databases: Database of Single Nucleotide Polymorphisms (dbSNP), NHLBI Exome Sequencing Project (ESP), and 1000 Genomes Project. In the ESP, this variant was not observed in 6503 samples (13006 alleles) with coverage at this position. To date, this alteration has been detected with an allele frequency of approximately 0.001% (greater than 85000 alleles tested) in our clinical cohort. This amino acid position is highly conserved in available vertebrate species. In addition, the in silico prediction for this alteration is inconclusive. Since supporting evidence is limited at this time, the clinical significance of this alteration remains unclear.